The following is an entry in ClinVar:

ClinVar aggregate classification (germline): Uncertain significance (1 of 4 stars; one submission).

Conditions:
Inborn genetic diseases. Identifiers: MedGen C0950123, MeSH D030342.

Submission:

Ambry Genetics
Classification: Uncertain significance for Inborn genetic diseases. Last evaluated: 2023-09-20. Review status: criteria provided, single submitter. Criteria: Ambry Variant Classification Scheme 2023. Collection method: clinical testing. Allele origin: germline.
Comment: The p.E793D variant (also known as c.2379G>C), located in coding exon 15 of the EPAS1 gene, results from a G to C substitution at nucleotide position 2379. The glutamic acid at codon 793 is replaced by aspartic acid, an amino acid with highly similar properties. This amino acid position is conserved. In addition, this alteration is predicted to be tolerated by in silico analysis. Since supporting evidence is limited at this time, the clinical significance of this alteration remains unclear.

NM_001430.5(EPAS1):c.2379G>C (p.Glu793Asp)

Gene: EPAS1 (endothelial PAS domain protein 1; plus strand). Cytogenetic location: 2p21.
Variant type: single nucleotide variant.
Coding change: c.2379G>C on transcript NM_001430.5 (MANE Select); coding-DNA position 2379, G replaced by C.
Protein change: p.Glu793Asp; replaces glutamic acid 793 with aspartic acid.
Molecular consequence: missense variant.
Genome position (GRCh38, 1-based): chr2:46,382,516, G>C. VCF-style: chr2-46382516-G-C. GRCh37 (hg19) VCF-style: chr2-46609655-G-C.
Other names: short protein forms E793D.
Identifiers: ClinVar variation 3221627 (VCV003221627.1), dbSNP rs2103678226, ClinGen allele CA346706170.